The following is an entry in ClinVar:

NM_006767.4(LZTR1):c.1415G>C (p.Arg472Thr)

Gene: LZTR1 (leucine zipper like post translational regulator 1; plus strand). Cytogenetic location: 22q11.21.
Variant type: single nucleotide variant.
Coding change: c.1415G>C on transcript NM_006767.4 (MANE Select); coding-DNA position 1415, G replaced by C.
Protein change: p.Arg472Thr; replaces arginine 472 with threonine.
Molecular consequence: missense variant.
Genome position (GRCh38, 1-based): chr22:20,993,985, G>C. VCF-style: chr22-20993985-G-C. GRCh37 (hg19) VCF-style: chr22-21348274-G-C.
Other names: short protein forms R472T.
Identifiers: ClinVar variation 1697050 (VCV001697050.5), dbSNP rs1160425168, ClinGen allele CA410775234.
Genomic context (GRCh38, chr22:20,993,985, plus strand): 5'-AGGAGGAGTGCGTGCAGGGCCACGTAGCCATTGTCACAGCGCGGAGCCGCTGGCTTCGCA[G>C]GAAGATCACGCAGGCGCGGGAGAGGCTGGCCCAGGTGAGGTGCCTAACCGCCCTGCCCTG-3'
Protein context (NP_006758.2, residues 462-482): IVTARSRWLR[Arg472Thr]KITQARERLA

ClinVar aggregate classification (germline): Uncertain significance. Review status: criteria provided, multiple submitters, no conflicts (2 of 4 stars). 3 submissions from 3 submitters: Uncertain significance (3). Last evaluated 2024-05-16.

Conditions:
Hereditary cancer-predisposing syndrome. Also called: Hereditary neoplastic syndrome; Tumor predisposition; Neoplastic Syndromes, Hereditary; Hereditary Cancer Syndrome. Identifiers: Orphanet 140162, MedGen C0027672, MeSH D009386, MONDO:0015356.
Cardiovascular phenotype. Identifiers: MedGen CN230736.

Allele frequency attached by ClinVar (database versions not stated): gnomAD exomes below 0.00001.
gnomAD v4.1: 6 of 1,612,122 alleles (0.00037%); highest among the groups gnomAD compares: Non-Finnish European, 0.00051%; no homozygotes.

Submissions (3):

Labcorp Genetics (formerly Invitae), Labcorp
Classification: Uncertain significance. Last evaluated: 2024-05-16. Review status: criteria provided, single submitter. Criteria: Invitae Variant Classification Sherloc (09022015). Collection method: clinical testing. Allele origin: germline.
Comment: This sequence change replaces arginine, which is basic and polar, with threonine, which is neutral and polar, at codon 472 of the LZTR1 protein (p.Arg472Thr). This variant is not present in population databases (gnomAD no frequency). This variant has not been reported in the literature in individuals affected with LZTR1-related conditions. ClinVar contains an entry for this variant (Variation ID: 1697050). Advanced modeling of protein sequence and biophysical properties (such as structural, functional, and spatial information, amino acid conservation, physicochemical variation, residue mobility, and thermodynamic stability) performed at Invitae indicates that this missense variant is not expected to disrupt LZTR1 protein function with a negative predictive value of 80%. In summary, the available evidence is currently insufficient to determine the role of this variant in disease. Therefore, it has been classified as a Variant of Uncertain Significance.

Ambry Genetics
Classification: Uncertain significance for Cardiovascular phenotype; Hereditary cancer-predisposing syndrome. Last evaluated: 2023-10-11. Review status: criteria provided, single submitter. Criteria: Ambry Variant Classification Scheme 2023. Collection method: clinical testing. Allele origin: germline.
Comment: The p.R472T variant (also known as c.1415G>C), located in coding exon 13 of the LZTR1 gene, results from a G to C substitution at nucleotide position 1415. The arginine at codon 472 is replaced by threonine, an amino acid with similar properties. This amino acid position is conserved. In addition, this alteration is predicted to be tolerated by in silico analysis. Since supporting evidence is limited at this time, the clinical significance of this alteration remains unclear.

GeneDx
Classification: Uncertain significance. Last evaluated: 2022-01-12. Review status: criteria provided, single submitter. Criteria: GeneDx Variant Classification Process June 2021. Collection method: clinical testing. Allele origin: germline. Affected: yes.
Comment: Not observed at significant frequency in large population cohorts (gnomAD); In silico analysis supports that this missense variant does not alter protein structure/function; Has not been previously published as pathogenic or benign to our knowledge